The following is an entry in ClinVar:

NM_001042492.3(NF1):c.3586C>A (p.Leu1196Ile)

Gene: NF1 (neurofibromin 1; plus strand). Cytogenetic location: 17q11.2.
Variant type: single nucleotide variant.
Coding change: c.3586C>A on transcript NM_001042492.3 (MANE Select); coding-DNA position 3586, C replaced by A.
Protein change: p.Leu1196Ile; replaces leucine 1196 with isoleucine.
Molecular consequence: missense variant.
Genome position (GRCh38, 1-based): chr17:31,233,091, C>A. VCF-style: chr17-31233091-C-A. GRCh37 (hg19) VCF-style: chr17-29560109-C-A.
Other names: c.3586C>A, p.Leu1196Ile (NM_000267.4); short protein forms L1196I.
Identifiers: ClinVar variation 3237739 (VCV003237739.1), dbSNP rs1555615039.

ClinVar aggregate classification (germline): Uncertain significance (1 of 4 stars; one submission).

Conditions:
Hereditary cancer-predisposing syndrome. Also called: Neoplastic Syndromes, Hereditary; Tumor predisposition; Hereditary neoplastic syndrome; Hereditary Cancer Syndrome. Identifiers: Orphanet 140162, MedGen C0027672, MeSH D009386, MONDO:0015356.
Cardiovascular phenotype. Identifiers: MedGen CN230736.

Submission:

Ambry Genetics
Classification: Uncertain significance for Cardiovascular phenotype; Hereditary cancer-predisposing syndrome. Last evaluated: 2023-04-11. Review status: criteria provided, single submitter. Criteria: Ambry Variant Classification Scheme 2023. Collection method: clinical testing. Allele origin: germline.
Comment: The p.L1196I variant (also known as c.3586C>A), located in coding exon 27 of the NF1 gene, results from a C to A substitution at nucleotide position 3586. The leucine at codon 1196 is replaced by isoleucine, an amino acid with highly similar properties. This amino acid position is highly conserved in available vertebrate species. In addition, the in silico prediction for this alteration is inconclusive. Since supporting evidence is limited at this time, the clinical significance of this alteration remains unclear.